The following is an entry in ClinVar:

ClinVar aggregate classification (germline): Uncertain significance. Review status: criteria provided, multiple submitters, no conflicts (2 of 4 stars). 3 submissions from 3 submitters: Uncertain significance (3). Last evaluated 2026-05-13.

Conditions:
Cardiovascular phenotype. Identifiers: MedGen CN230736.
Osteogenesis imperfecta type I (OI1). Also called: OI, TYPE I; OSTEOGENESIS IMPERFECTA TARDA; OSTEOGENESIS IMPERFECTA WITH BLUE SCLERAE; Osteogenesis imperfecta type 1; Lobstein's Disease; Lobstein disease. Identifiers: Orphanet 216796, Orphanet 666, MedGen C0023931, MONDO:0008146, OMIM 166200. Disease mechanism: loss of function.

Allele frequency attached by ClinVar (database versions not stated): TOPMed below 0.00001; gnomAD exomes below 0.00001; ESP Exome Variant Server 0.00008.
gnomAD v4.1: 1 of 1,614,156 alleles (0.000062%); highest among the groups gnomAD compares: Non-Finnish European, 0.000085%; no homozygotes.

Submissions (3):

Women's Health and Genetics/Laboratory Corporation of America, LabCorp
Classification: Uncertain significance. Last evaluated: 2026-05-13. Review status: criteria provided, single submitter. Criteria: LabCorp Variant Classification Summary - May 2015. Collection method: clinical testing. Allele origin: germline.
Comment: Variant summary: COL1A1 c.874C>T (p.Pro292Ser) results in a non-conservative amino acid change in the encoded protein sequence. Algorithms developed to predict the effect of missense changes on protein structure and function all suggest that this variant is likely to be disruptive. The variant was absent in 251438 control chromosomes. The available data on variant occurrences in the general population are insufficient to allow any conclusion about variant significance. To our knowledge, no occurrence of c.874C>T in individuals affected with COL1A1-related conditions and no experimental evidence demonstrating its impact on protein function have been reported. ClinVar contains an entry for this variant (Variation ID: 1442028). Based on the evidence outlined above, the variant was classified as uncertain significance.

Labcorp Genetics (formerly Invitae), Labcorp
Classification: Uncertain significance for Osteogenesis imperfecta type I. Last evaluated: 2025-11-27. Review status: criteria provided, single submitter. Criteria: Invitae Variant Classification Sherloc (09022015). Collection method: clinical testing. Allele origin: germline.
Comment: This sequence change replaces proline, which is neutral and non-polar, with serine, which is neutral and polar, at codon 292 of the COL1A1 protein (p.Pro292Ser). This variant is not present in population databases (gnomAD no frequency). This variant has not been reported in the literature in individuals affected with COL1A1-related conditions. ClinVar contains an entry for this variant (Variation ID: 1442028). Invitae Evidence Modeling of protein sequence and biophysical properties (such as structural, functional, and spatial information, amino acid conservation, physicochemical variation, residue mobility, and thermodynamic stability) has been performed for this missense variant. However, the output from this modeling did not meet the statistical confidence thresholds required to predict the impact of this variant on COL1A1 protein function. In summary, the available evidence is currently insufficient to determine the role of this variant in disease. Therefore, it has been classified as a Variant of Uncertain Significance.

Ambry Genetics
Classification: Uncertain significance for Cardiovascular phenotype. Last evaluated: 2024-08-08. Review status: criteria provided, single submitter. Criteria: Ambry Variant Classification Scheme 2023. Collection method: clinical testing. Allele origin: germline.
Comment: The p.P292S variant (also known as c.874C>T), located in coding exon 13 of the COL1A1 gene, results from a C to T substitution at nucleotide position 874. The proline at codon 292 is replaced by serine, an amino acid with similar properties. This amino acid position is not well conserved in available vertebrate species. In addition, the in silico prediction for this alteration is inconclusive. Based on the available evidence, the clinical significance of this variant remains unclear.

NM_000088.4(COL1A1):c.874C>T (p.Pro292Ser)

Genes: COL1A1 (collagen type I alpha 1 chain; minus strand), LOC126862586 (CDK7 strongly-dependent group 2 enhancer GRCh37_chr17:48273702-48274901; plus strand). Cytogenetic location: 17q21.33.
Variant type: single nucleotide variant.
Coding change: c.874C>T on transcript NM_000088.4 (MANE Select); coding-DNA position 874, C replaced by T.
Protein change: p.Pro292Ser; replaces proline 292 with serine.
Molecular consequence: missense variant.
Genome position (GRCh38, 1-based): chr17:50,196,513, G>A on the plus strand (C>T on the coding strand, the complement: COL1A1 is on the minus strand). VCF-style: chr17-50196513-G-A. GRCh37 (hg19) VCF-style: chr17-48273874-G-A.
Other names: c.874C>T (NM_000088.3); short protein forms P292S.
Identifiers: ClinVar variation 1442028 (VCV001442028.10), dbSNP rs139840296, ClinGen allele CA291547320.